The following is an entry in ClinVar:

ClinVar aggregate classification (germline): Uncertain significance (1 of 4 stars; one submission).

Conditions:
Inborn genetic diseases. Identifiers: MedGen C0950123, MeSH D030342.

Allele frequency attached by ClinVar (database versions not stated): gnomAD exomes below 0.00001.
gnomAD v4.1: 2 of 1,609,324 alleles (0.00012%); highest among the groups gnomAD compares: South Asian, 0.0011%; no homozygotes.

Submission:

Ambry Genetics
Classification: Uncertain significance for Inborn genetic diseases. Last evaluated: 2023-05-14. Review status: criteria provided, single submitter. Criteria: Ambry Variant Classification Scheme 2023. Collection method: clinical testing. Allele origin: germline.
Comment: The p.M493T variant (also known as c.1478T>C), located in coding exon 15 of the ERCC2 gene, results from a T to C substitution at nucleotide position 1478. The methionine at codon 493 is replaced by threonine, an amino acid with similar properties. This amino acid position is conserved. In addition, this alteration is predicted to be deleterious by in silico analysis. Since supporting evidence is limited at this time, the clinical significance of this alteration remains unclear.

NM_000400.4(ERCC2):c.1478T>C (p.Met493Thr)

Gene: ERCC2 (ERCC excision repair 2, TFIIH core complex helicase subunit; minus strand). Cytogenetic location: 19q13.32.
Variant type: single nucleotide variant.
Coding change: c.1478T>C on transcript NM_000400.4 (MANE Select); coding-DNA position 1478, T replaced by C.
Protein change: p.Met493Thr; replaces methionine 493 with threonine.
Molecular consequence: missense variant.
Genome position (GRCh38, 1-based): chr19:45,357,271, A>G on the plus strand (T>C on the coding strand, the complement: ERCC2 is on the minus strand). VCF-style: chr19-45357271-A-G. GRCh37 (hg19) VCF-style: chr19-45860529-A-G.
Other names: short protein forms M493T.
Identifiers: ClinVar variation 2566699 (VCV002566699.2), dbSNP rs1360236693, ClinGen allele CA406366918.